The following is an entry in ClinVar:

ClinVar aggregate classification (germline): Uncertain significance (1 of 4 stars; one submission).

Conditions:
Fanconi anemia complementation group O. Also called: RAD51C-Related Fanconi Anemia. Identifiers: Orphanet 84, MedGen C3150653, MONDO:0013248, OMIM 613390.

Submission:

Labcorp Genetics (formerly Invitae), Labcorp
Classification: Uncertain significance for Fanconi anemia complementation group O. Last evaluated: 2025-06-22. Review status: criteria provided, single submitter. Criteria: Invitae Variant Classification Sherloc (09022015). Collection method: clinical testing. Allele origin: germline.
Comment: This sequence change affects codon 277 of the RAD51C mRNA. It is a 'silent' change, meaning that it does not change the encoded amino acid sequence of the RAD51C protein. This variant is not present in population databases (gnomAD no frequency). This variant has not been reported in the literature in individuals affected with RAD51C-related conditions. ClinVar contains an entry for this variant (Variation ID: 2829613). Algorithms developed to predict the effect of sequence changes on RNA splicing suggest that this variant may create or strengthen a splice site. In summary, the available evidence is currently insufficient to determine the role of this variant in disease. Therefore, it has been classified as a Variant of Uncertain Significance.

NM_058216.3(RAD51C):c.831A>G (p.Arg277=)

Gene: RAD51C (RAD51 paralog C; plus strand). Cytogenetic location: 17q22.
Variant type: single nucleotide variant.
Coding change: c.831A>G on transcript NM_058216.3 (MANE Select); coding-DNA position 831, A replaced by G.
Protein change: p.Arg277=; no amino-acid change (arginine 277 retained).
Molecular consequence: synonymous variant. On other transcripts: non-coding transcript variant (1).
Genome position (GRCh38, 1-based): chr17:58,709,984, A>G. VCF-style: chr17-58709984-A-G. GRCh37 (hg19) VCF-style: chr17-56787345-A-G.
Other names: c.*259A>G (NM_058217.1).
Identifiers: ClinVar variation 2829613 (VCV002829613.3), dbSNP rs2509314025, ClinGen allele CA501075644.